The following is an entry in ClinVar:

ClinVar aggregate classification (germline): Uncertain significance (1 of 4 stars; one submission).

gnomAD v4.1: 3 of 1,613,400 alleles (0.00019%); highest among the groups gnomAD compares: Non-Finnish European, 0.00025%; no homozygotes.

Submission:

GeneDx
Classification: Uncertain significance. Last evaluated: 2025-04-11. Review status: criteria provided, single submitter. Criteria: GeneDx Variant Classification Process June 2021. Collection method: clinical testing. Allele origin: germline. Affected: yes.
Comment: Not observed at significant frequency in large population cohorts (gnomAD); In silico analysis supports that this missense variant has a deleterious effect on protein structure/function; Has not been previously published as pathogenic or benign to our knowledge

NM_001035.3(RYR2):c.11173C>G (p.Leu3725Val)

Gene: RYR2 (ryanodine receptor 2; plus strand). Cytogenetic location: 1q43.
Variant type: single nucleotide variant.
Coding change: c.11173C>G on transcript NM_001035.3 (MANE Select); coding-DNA position 11173, C replaced by G.
Protein change: p.Leu3725Val; replaces leucine 3725 with valine.
Molecular consequence: missense variant.
Genome position (GRCh38, 1-based): chr1:237,756,315, C>G. VCF-style: chr1-237756315-C-G. GRCh37 (hg19) VCF-style: chr1-237919615-C-G.
Other names: short protein forms L3725V.
Identifiers: ClinVar variation 4282111 (VCV004282111.1).
Genomic context (GRCh38, chr1:237,756,315, plus strand): 5'-CCCTCAACATAAATGGTTGGGATTTGTGTTCAGGAAAAAGAAATGGAAAAGCAAAAGCTT[C>G]TATACCAGCAAGCCCGACTCCACGATCGTGGCGCGGCTGAGATGGTGCTACAGACAATCA-3'
Protein context (NP_001026.2, residues 3715-3735): EEKEMEKQKL[Leu3725Val]YQQARLHDRG